The following is an entry in ClinVar:

ClinVar aggregate classification (germline): Benign. Review status: criteria provided, multiple submitters, no conflicts (2 of 4 stars). 2 submissions from 2 submitters: Benign (2). Last evaluated 2026-02-02.

Conditions:
Retinitis pigmentosa (RP). Identifiers: Orphanet 791, MedGen C0035334, MeSH D012174, MONDO:0019200, OMIM 268000. Inheritance: Autosomal dominant, autosomal recessive and X linked inheritance.

Allele frequency attached by ClinVar (database versions not stated): gnomAD exomes 0.00082 and 0.00214; ExAC 0.00257; gnomAD 0.00731 and 0.00784; ESP Exome Variant Server 0.00861; TOPMed 0.00890; 1000 Genomes Project 0.00938; 1000 Genomes Project 30x 0.01046.
gnomAD v4.1: 2,380 of 1,613,848 alleles (0.15%); highest among the groups gnomAD compares: African/African-American, 2.7%; 33 homozygotes.

Submissions (11):

Labcorp Genetics (formerly Invitae), Labcorp
Classification: Benign. Last evaluated: 2026-02-02. Review status: criteria provided, single submitter. Criteria: Invitae Variant Classification Sherloc (09022015). Collection method: clinical testing. Allele origin: germline.

Illumina Laboratory Services, Illumina
Classification: Benign for Retinitis pigmentosa. Last evaluated: 2018-01-13. Review status: criteria provided, single submitter. Criteria: ICSL Variant Classification Criteria 13 December 2019. Collection method: clinical testing. Allele origin: germline.
Comment: This variant was observed in the ICSL laboratory as part of a predisposition screen in an ostensibly healthy population. It had not been previously curated by ICSL or reported in the Human Gene Mutation Database (HGMD: prior to June 1st, 2018), and was therefore a candidate for classification through an automated scoring system. Utilizing variant allele frequency, disease prevalence and penetrance estimates, and inheritance mode, an automated score was calculated to assess if this variant is too frequent to cause the disease. Based on the score and internal cut-off values, a variant classified as benign is not then subjected to further curation. The score for this variant resulted in a classification of benign for this disease.

Dr. Peter K. Rogan Lab, Western University
No classification provided (evidence only). Condition: Lung cancer. Review status: no classification provided. Collection method: in vitro. Allele origin: not applicable. Functional consequence: retained intron. Not counted in ClinVar's aggregate classification.

Dr. Peter K. Rogan Lab, Western University
No classification provided (evidence only). Condition: Acute myeloid leukemia. Review status: no classification provided. Collection method: in vitro. Allele origin: not applicable. Functional consequence: retained intron. Not counted in ClinVar's aggregate classification.

Dr. Peter K. Rogan Lab, Western University
No classification provided (evidence only). Condition: Uterine corpus endometrial carcinoma. Review status: no classification provided. Collection method: in vitro. Allele origin: not applicable. Functional consequence: skipped exon, retained intron. Not counted in ClinVar's aggregate classification.

Dr. Peter K. Rogan Lab, Western University
No classification provided (evidence only). Condition: Uterine corpus endometrial carcinoma. Review status: no classification provided. Collection method: in vitro. Allele origin: not applicable. Functional consequence: skipped exon, retained intron. Not counted in ClinVar's aggregate classification.

Dr. Peter K. Rogan Lab, Western University
No classification provided (evidence only). Condition: Uterine corpus endometrial carcinoma. Review status: no classification provided. Collection method: in vitro. Allele origin: not applicable. Functional consequence: retained intron. Not counted in ClinVar's aggregate classification.

Dr. Peter K. Rogan Lab, Western University
No classification provided (evidence only). Condition: Uterine corpus endometrial carcinoma. Review status: no classification provided. Collection method: in vitro. Allele origin: not applicable. Functional consequence: skipped exon, retained intron. Not counted in ClinVar's aggregate classification.

Dr. Peter K. Rogan Lab, Western University
No classification provided (evidence only). Condition: Cervical cancer. Review status: no classification provided. Collection method: in vitro. Allele origin: not applicable. Functional consequence: retained intron. Not counted in ClinVar's aggregate classification.

Dr. Peter K. Rogan Lab, Western University
No classification provided (evidence only). Condition: Malignant tumor of esophagus. Review status: no classification provided. Collection method: in vitro. Allele origin: not applicable. Functional consequence: skipped exon, retained intron. Not counted in ClinVar's aggregate classification.

Dr. Peter K. Rogan Lab, Western University
No classification provided (evidence only). Condition: Malignant tumor of esophagus. Review status: no classification provided. Collection method: in vitro. Allele origin: not applicable. Functional consequence: skipped exon, retained intron. Not counted in ClinVar's aggregate classification.

NM_012469.4(PRPF6):c.2340-11T>C

Gene: PRPF6 (pre-mRNA processing factor 6; plus strand). Cytogenetic location: 20q13.33.
Variant type: single nucleotide variant.
Coding change: c.2340-11T>C on transcript NM_012469.4 (MANE Select); 11 bases into the intron before coding-DNA position 2340, T replaced by C.
Molecular consequence: intron variant.
Genome position (GRCh38, 1-based): chr20:64,028,467, T>C. VCF-style: chr20-64028467-T-C. GRCh37 (hg19) VCF-style: chr20-62659820-T-C.
Identifiers: ClinVar variation 339482 (VCV000339482.14), dbSNP rs113298469, ClinGen allele CA9972445.